The following is an entry in ClinVar:

NM_052876.4(NACC1):c.335T>G (p.Ile112Ser)

Gene: NACC1 (nucleus accumbens associated 1; plus strand). Cytogenetic location: 19p13.13.
Variant type: single nucleotide variant.
Coding change: c.335T>G on transcript NM_052876.4 (MANE Select); coding-DNA position 335, T replaced by G.
Protein change: p.Ile112Ser; replaces isoleucine 112 with serine.
Molecular consequence: missense variant.
Genome position (GRCh38, 1-based): chr19:13,135,542, T>G. VCF-style: chr19-13135542-T-G. GRCh37 (hg19) VCF-style: chr19-13246356-T-G.
Other names: short protein forms I112S.
Identifiers: ClinVar variation 3778598 (VCV003778598.7).
Genomic context (GRCh38, chr19:13,135,542, plus strand): 5'-TGAACGTGGGCGACCAGTTCCTGCTCATGTACACGGCTGGCTTCCTGCAGATCCAGGAGA[T>G]CATGGAGAAGGGCACCGAGTTCTTCCTCAAGGTGAGCTCCCCGAGCTGCGACTCCCAGGG-3'
Protein context (NP_443108.1, residues 102-122): YTAGFLQIQE[Ile112Ser]MEKGTEFFLK

ClinVar aggregate classification (germline): Uncertain significance (1 of 4 stars; one submission).

Submission:

CeGaT Center for Human Genetics Tuebingen
Classification: Uncertain significance. Last evaluated: 2025-03-01. Review status: criteria provided, single submitter. Criteria: CeGaT Center For Human Genetics Tuebingen Variant Classification Criteria Version 2. Collection method: clinical testing. Allele origin: germline. Affected: yes. Observed: 1 variant allele.
Comment: NACC1: PM2, PP2